The following is an entry in ClinVar:

ClinVar aggregate classification (germline): Likely benign (1 of 4 stars; one submission).

Allele frequency attached by ClinVar (database versions not stated): gnomAD exomes below 0.00001.
gnomAD v4.1: 2 of 1,613,982 alleles (0.00012%); highest among the groups gnomAD compares: Non-Finnish European, 0.00017%; no homozygotes.

Submission:

GeneDx
Classification: Likely benign. Last evaluated: 2018-06-06. Review status: criteria provided, single submitter. Criteria: GeneDx Variant Classification (06012015). Collection method: clinical testing. Allele origin: germline. Affected: yes.
Comment: This variant is considered likely benign or benign based on one or more of the following criteria: it is a conservative change, it occurs at a poorly conserved position in the protein, it is predicted to be benign by multiple in silico algorithms, and/or has population frequency not consistent with disease.

NM_000393.5(COL5A2):c.4368T>C (p.Asn1456=)

Gene: COL5A2 (collagen type V alpha 2 chain; minus strand). Cytogenetic location: 2q32.2.
Variant type: single nucleotide variant.
Coding change: c.4368T>C on transcript NM_000393.5 (MANE Select); coding-DNA position 4368, T replaced by C.
Protein change: p.Asn1456=; no amino-acid change (asparagine 1456 retained).
Molecular consequence: synonymous variant.
Genome position (GRCh38, 1-based): chr2:189,034,202, A>G on the plus strand (T>C on the coding strand, the complement: COL5A2 is on the minus strand). VCF-style: chr2-189034202-A-G. GRCh37 (hg19) VCF-style: chr2-189898928-A-G.
Identifiers: ClinVar variation 669366 (VCV000669366.1), dbSNP rs1576482924, ClinGen allele CA430318799.